The following is an entry in ClinVar:

NM_001927.4(DES):c.556G>A (p.Asp186Asn)

Gene: DES (desmin; plus strand). Cytogenetic location: 2q35.
Variant type: single nucleotide variant.
Coding change: c.556G>A on transcript NM_001927.4 (MANE Select); coding-DNA position 556, G replaced by A.
Protein change: p.Asp186Asn; replaces aspartic acid 186 with asparagine.
Molecular consequence: missense variant. On other transcripts: intron variant (1).
Genome position (GRCh38, 1-based): chr2:219,419,018, G>A. VCF-style: chr2-219419018-G-A. GRCh37 (hg19) VCF-style: chr2-220283740-G-A.
Other names: c.556G>A, p.Asp186Asn (NM_001382708.1, NM_001382709.1, NM_001382710.1 and 2 more transcripts); c.495+61G>A (NM_001382713.1); short protein forms D186N.
Identifiers: ClinVar variation 2922180 (VCV002922180.3), dbSNP rs878854473, ClinGen allele CA350687095.

ClinVar aggregate classification (germline): Uncertain significance (1 of 4 stars; one submission).

Conditions:
Desmin-related myofibrillar myopathy (MFM1). Also called: Desminopathy; MYOFIBRILLAR MYOPATHY WITH ARRHYTHMOGENIC RIGHT VENTRICULAR CARDIOMYOPATHY; DESMIN-RELATED MYOPATHY WITH ARRHYTHMOGENIC RIGHT VENTRICULAR CARDIOMYOPATHY; Desmin related myopathy (former name); Desmin storage myopathy (former name); Myofibrillar myopathy 1. Identifiers: Orphanet 363543, Orphanet 98909, MedGen C1832370, MONDO:0011076, OMIM 601419.

Allele frequency attached by ClinVar (database versions not stated): gnomAD exomes below 0.00001.
gnomAD v4.1: 2 of 1,544,002 alleles (0.00013%); highest among the groups gnomAD compares: East Asian, 0.0024%; no homozygotes.

Submission:

Labcorp Genetics (formerly Invitae), Labcorp
Classification: Uncertain significance for Desmin-related myofibrillar myopathy. Last evaluated: 2024-01-13. Review status: criteria provided, single submitter. Criteria: Invitae Variant Classification Sherloc (09022015). Collection method: clinical testing. Allele origin: germline.
Comment: This sequence change replaces aspartic acid, which is acidic and polar, with asparagine, which is neutral and polar, at codon 186 of the DES protein (p.Asp186Asn). The frequency data for this variant in the population databases is considered unreliable, as metrics indicate poor data quality at this position in the gnomAD database. This variant has not been reported in the literature in individuals affected with DES-related conditions. Advanced modeling of protein sequence and biophysical properties (such as structural, functional, and spatial information, amino acid conservation, physicochemical variation, residue mobility, and thermodynamic stability) has been performed at Invitae for this missense variant, however the output from this modeling did not meet the statistical confidence thresholds required to predict the impact of this variant on DES protein function. In summary, the available evidence is currently insufficient to determine the role of this variant in disease. Therefore, it has been classified as a Variant of Uncertain Significance.